The following is an entry in ClinVar:

NM_000719.7(CACNA1C):c.5095G>A (p.Ala1699Thr)

Genes: CACNA1C (calcium voltage-gated channel subunit alpha1 C; plus strand), CACNA1C-AS1 (CACNA1C antisense RNA 1; minus strand). Cytogenetic location: 12p13.33.
Variant type: single nucleotide variant.
Coding change: c.5095G>A on transcript NM_000719.7 (MANE Select); coding-DNA position 5095, G replaced by A.
Protein change: p.Ala1699Thr; replaces alanine 1699 with threonine.
Molecular consequence: missense variant.
Genome position (GRCh38, 1-based): chr12:2,679,447, G>A. VCF-style: chr12-2679447-G-A. GRCh37 (hg19) VCF-style: chr12-2788613-G-A.
Other names: c.5239G>A, p.Ala1747Thr (NM_001129827.2, NM_199460.4); c.5218G>A, p.Ala1740Thr (NM_001129829.2); c.5095G>A, p.Ala1699Thr (NM_001129830.3, NM_001129840.2, NM_001129841.2 and 4 more transcripts); c.5179G>A, p.Ala1727Thr (NM_001129831.2); c.5155G>A, p.Ala1719Thr (NM_001129832.2); c.5152G>A, p.Ala1718Thr (NM_001129833.2, NM_001129834.2, NM_001129835.2); c.5146G>A, p.Ala1716Thr (NM_001129836.2); c.5119G>A, p.Ala1707Thr (NM_001129837.2, NM_001129838.2); and 3 more; short protein forms A1688T, A1696T, A1699T, A1705T, A1707T, A1716T, A1718T, A1719T.
Identifiers: ClinVar variation 3364782 (VCV003364782.1).

ClinVar aggregate classification (germline): Uncertain significance (1 of 4 stars; one submission).

Submission:

GeneDx
Classification: Uncertain significance. Last evaluated: 2023-11-22. Review status: criteria provided, single submitter. Criteria: GeneDx Variant Classification Process June 2021. Collection method: clinical testing. Allele origin: germline. Affected: yes.
Comment: Not observed at significant frequency in large population cohorts (gnomAD); In silico analysis supports that this missense variant does not alter protein structure/function; Has not been previously published as pathogenic or benign to our knowledge